The following is an entry in ClinVar:

ClinVar aggregate classification (germline): Pathogenic. Review status: criteria provided, multiple submitters, no conflicts (2 of 4 stars). 10 submissions from 10 submitters: Pathogenic (7). 3 of the submissions do not count toward it. Last evaluated 2025-04-30.

Conditions:
CYP27A1-related disorder. Also called: CYP27A1-related condition.
Cholestanol storage disease (CTX). Also called: CEREBRAL CHOLESTERINOSIS; Cerebrotendinous Xanthomatosis; CTX: Cerebrotendinous xanthomatosis. Identifiers: Orphanet 909, MedGen C0238052, MONDO:0008948, OMIM 213700.

Allele frequency attached by ClinVar (database versions not stated): TOPMed below 0.00001; gnomAD 0.00003; ExAC 0.00002; gnomAD exomes 0.00002; ESP Exome Variant Server 0.00008.
gnomAD v4.1: 31 of 1,614,014 alleles (0.0019%); highest among the groups gnomAD compares: African/African-American, 0.0027%; no homozygotes.

Submissions (10):

Natera, Inc.
Classification: Pathogenic for Cerebrotendinous xanthomatosis. Last evaluated: 2025-04-30. Review status: criteria provided, single submitter. Criteria: Natera Variant Classification Schema (03/2026). Collection method: clinical testing. Allele origin: germline.
Comment: The c.380G>A variant in CYP27A1 is a missense variant predicted to cause substitution of arginine to glutamine at amino acid 127. This variant is rare in the general population with a frequency below the threshold expected for the associated phenotype(s). This variant has been observed in one or more individuals affected with the associated recessive disease, as either homozygous or compound heterozygous with a second variant (PMID: 38216115, 36628393, 22878431, 10775536, 8730343). Additionally, this variant has been observed to segregate in affected family members (PMID: 36628393, 38216115, 8730343). A different variant at the same position has been determined to be Pathogenic or Likely Pathogenic. Computational prediction algorithms indicate this variant is likely to affect gene or protein function. Given the available evidence, this variant is classified as Pathogenic.

Labcorp Genetics (formerly Invitae), Labcorp
Classification: Pathogenic for Cholestanol storage disease. Last evaluated: 2025-03-09. Review status: criteria provided, single submitter. Criteria: Invitae Variant Classification Sherloc (09022015). Collection method: clinical testing. Allele origin: germline.
Comment: This sequence change replaces arginine, which is basic and polar, with glutamine, which is neutral and polar, at codon 127 of the CYP27A1 protein (p.Arg127Gln). This variant is present in population databases (rs376230356, gnomAD 0.004%). This missense change has been observed in individual(s) with cerebrotendinous xanthomatosis (CTX) (PMID: 8730343, 10775536; internal data). In at least one individual the data is consistent with being in trans (on the opposite chromosome) from a pathogenic variant. This variant is also known as p.Arg94Gln. ClinVar contains an entry for this variant (Variation ID: 65866). Invitae Evidence Modeling of protein sequence and biophysical properties (such as structural, functional, and spatial information, amino acid conservation, physicochemical variation, residue mobility, and thermodynamic stability) has been performed for this missense variant. However, the output from this modeling did not meet the statistical confidence thresholds required to predict the impact of this variant on CYP27A1 protein function. This variant disrupts the p.Arg127 amino acid residue in CYP27A1. Other variant(s) that disrupt this residue have been determined to be pathogenic (PMID: 10430841, 10775536, 23659550, 27455001, 28623566). This suggests that this residue is clinically significant, and that variants that disrupt this residue are likely to be disease-causing. For these reasons, this variant has been classified as Pathogenic.

GeneDx
Classification: Pathogenic. Last evaluated: 2024-12-27. Review status: criteria provided, single submitter. Criteria: GeneDx Variant Classification Process June 2021. Collection method: clinical testing. Allele origin: germline. Affected: yes.
Comment: Published functional studies demonstrate a damaging effect on heme activity (PMID: 17697869); In silico analysis supports that this missense variant has a deleterious effect on protein structure/function; This variant is associated with the following publications: (PMID: 8730343, 10775536, 26519892, 35949830, 17697869, 36380532, 36628393, 11181744, 38216115, 29484516)

Fulgent Genetics
Classification: Pathogenic for Cholestanol storage disease. Last evaluated: 2024-05-29. Review status: criteria provided, single submitter. Criteria: ACMG Guidelines, 2015. Collection method: clinical testing. Allele origin: germline.

Mayo Clinic Laboratories, Mayo Clinic
Classification: Pathogenic. Last evaluated: 2024-04-05. Review status: criteria provided, single submitter. Criteria: ACMG Guidelines, 2015. Collection method: clinical testing. Allele origin: germline.
Comment: PP1, PP4, PM2_moderate, PM3_strong, PM5

Blueprint Genetics
Classification: Pathogenic for CYP27A1-related disorders. Last evaluated: 2024-01-31. Review status: criteria provided, single submitter. Criteria: ACMG Guidelines, 2015. Collection method: clinical testing. Allele origin: germline. Affected: yes. Observed: 3 variant alleles.

Neuberg Centre For Genomic Medicine, NCGM
Classification: Pathogenic for Cholestanol storage disease. Last evaluated: 2023-05-20. Review status: criteria provided, single submitter. Criteria: ACMG Guidelines, 2015. Collection method: clinical testing. Allele origin: germline. Inheritance: Autosomal recessive inheritance. Affected: yes.
Comment: The observed missense variant c.380G>A(p.Arg127Gln) in CYP27A1 gene has been reported previously in homozygous state in individuals with Cerebrotendinous xanthomatosis (Ragno M, et al., 2015, Kapás I, et al., 2014). The other variants that disrupt this residue have been determined to be Pathogenic (Chen C, et al., 2017).The c.380G>A variant has 0.002% allele frequency in gnomAD Exomes. This variant has been reported to the ClinVar database as Pathogenic/Likely Pathogenic.The amino acid Arginine at position 127 is changed to a Glutamine changing protein sequence and it might alter its composition and physico-chemical properties. Multiple lines of computational evidence (Polyphen, SIFT and MutationTaster) predict a damaging effect on protein structure and function for this variant. The amino acid change p.Arg127Gln in CYP27A1 is predicted as conserved by GERP++ and PhyloP across 100 vertebrates. For these reasons, this variant has been classified as Pathogenic.

PreventionGenetics, part of Exact Sciences
Classification: Pathogenic for CYP27A1-related condition. Last evaluated: 2024-05-29. Review status: no assertion criteria provided. Collection method: clinical testing. Allele origin: germline. Not counted in ClinVar's aggregate classification.
Comment: The CYP27A1 c.380G>A variant is predicted to result in the amino acid substitution p.Arg127Gln. Using legacy nomenclature, this variant is also known in the literature as p.Arg94Gln. This variant has been reported in the homozygous and compound heterozygous states in multiple patients with cerebrotendinous xanthomatosis (CTX) (Watts et al. 1996. PubMed ID: 8730343; Verrips et al. 2000. PubMed ID: 10775536; Ragno et al. 2015. PubMed ID: 26519892; Li et al. 2022.). This variant is reported in 0.0040% of alleles in individuals of African descent in gnomAD and has been interpreted as pathogenic or likely pathogenic by multiple laboratories in ClinVar. Of note, another variant impacting the same amino acid (p.Arg127Trp) has also been reported in patients with CTX (Verrips et al. 2000. PubMed ID: 10775536, Kapás et al. 2014. PubMed ID: 23659550; Chen et al. 2017. PubMed ID: 28623566). Based on this collective evidence, we interpret the c.380G>A (p.Arg127Gln) variant as pathogenic.

Counsyl
Classification: Likely pathogenic for Cholestanol storage disease. Last evaluated: 2017-03-08. Review status: no assertion criteria provided. Collection method: clinical testing. Allele origin: unknown. Not counted in ClinVar's aggregate classification.

GeneReviews
Classification: Pathogenic for Cerebrotendinous Xanthomatosis. Last evaluated: 2013-08-01. Review status: no assertion criteria provided. Collection method: curation. Allele origin: unknown. Not counted in ClinVar's aggregate classification.
ClinVar note: Converted during submission from pathologic to Pathogenic.

Literature cited by the submitters: PubMed 38216115 (cited by Natera, Inc.); PubMed 36628393 (cited by Natera, Inc. and Mayo Clinic Laboratories, Mayo Clinic); PubMed 22878431 (cited by Natera, Inc.); PubMed 10775536 (cited by 4 submitters); PubMed 8730343 (cited by 4 submitters); PubMed 10430841 (cited by Labcorp Genetics (formerly Invitae), Labcorp); PubMed 23659550 (cited by Labcorp Genetics (formerly Invitae), Labcorp); PubMed 27455001 (cited by Labcorp Genetics (formerly Invitae), Labcorp); PubMed 28623566 (cited by Labcorp Genetics (formerly Invitae), Labcorp and Mayo Clinic Laboratories, Mayo Clinic); PubMed 11181744 (cited by Mayo Clinic Laboratories, Mayo Clinic and Counsyl); PubMed 17697869 (cited by Mayo Clinic Laboratories, Mayo Clinic and Counsyl); PubMed 26519892 (cited by Mayo Clinic Laboratories, Mayo Clinic and Counsyl); PubMed 35949830 (cited by Mayo Clinic Laboratories, Mayo Clinic).

NM_000784.4(CYP27A1):c.380G>A (p.Arg127Gln)

Gene: CYP27A1 (cytochrome P450 family 27 subfamily A member 1; plus strand). Cytogenetic location: 2q35.
Variant type: single nucleotide variant.
Coding change: c.380G>A on transcript NM_000784.4 (MANE Select); coding-DNA position 380, G replaced by A.
Protein change: p.Arg127Gln; replaces arginine 127 with glutamine.
Molecular consequence: missense variant.
Genome position (GRCh38, 1-based): chr2:218,809,701, G>A. VCF-style: chr2-218809701-G-A. GRCh37 (hg19) VCF-style: chr2-219674424-G-A.
Other names: p.Arg127Gln; c.380G>A; short protein forms R127Q.
Identifiers: ClinVar variation 65866 (VCV000065866.21), dbSNP rs376230356, ClinGen allele CA345195.